The following is an entry in ClinVar:

ClinVar aggregate classification (germline): Likely benign. Review status: criteria provided, multiple submitters, no conflicts (2 of 4 stars). 2 submissions from 2 submitters: Likely benign (2). Last evaluated 2023-06-08.

Conditions:
Hereditary cancer-predisposing syndrome. Also called: Hereditary neoplastic syndrome; Hereditary Cancer Syndrome; Neoplastic Syndromes, Hereditary; Tumor predisposition. Identifiers: Orphanet 140162, MedGen C0027672, MeSH D009386, MONDO:0015356.
Classic or attenuated familial adenomatous polyposis. Identifiers: MedGen CN372698, MONDO:0021057.

Submissions (2):

All of Us Research Program, National Institutes of Health
Classification: Likely benign for Classic or attenuated familial adenomatous polyposis. Last evaluated: 2023-06-08. Review status: criteria provided, single submitter. Criteria: ACMG Guidelines, 2015. Collection method: clinical testing. Allele origin: germline. Inheritance: Autosomal dominant inheritance. Observed: 1 variant allele, 1 heterozygote.
Comment: This study involves interpretation of variants in research participants for the purpose of population health screening. Participant phenotype was not available at the time of variant classification. Additional details can be found in publication PMID: 35346344, PMCID: PMC8962531

Ambry Genetics
Classification: Likely benign for Hereditary cancer-predisposing syndrome. Last evaluated: 2023-06-01. Review status: criteria provided, single submitter. Criteria: Ambry Variant Classification Scheme 2023. Collection method: clinical testing. Allele origin: germline.

NM_000038.6(APC):c.6918T>C (p.Asp2306=)

Gene: APC (APC regulator of Wnt signaling pathway; plus strand). Cytogenetic location: 5q22.2.
Variant type: single nucleotide variant.
Coding change: c.6918T>C on transcript NM_000038.6 (MANE Select); coding-DNA position 6918, T replaced by C.
Protein change: p.Asp2306=; no amino-acid change (aspartic acid 2306 retained).
Molecular consequence: synonymous variant. On other transcripts: non-coding transcript variant (2).
Genome position (GRCh38, 1-based): chr5:112,842,512, T>C. VCF-style: chr5-112842512-T-C. GRCh37 (hg19) VCF-style: chr5-112178209-T-C.
Other names: c.6918T>C, p.Asp2306= (NM_001127510.3, NM_001354895.2, NM_001407450.1); c.6864T>C, p.Asp2288= (NM_001127511.3); c.6972T>C, p.Asp2324= (NM_001354896.2, NM_001407447.1, NM_001407448.1 and 1 more transcripts); c.6948T>C, p.Asp2316= (NM_001354897.2); c.6843T>C, p.Asp2281= (NM_001354898.2); c.6834T>C, p.Asp2278= (NM_001354899.2); c.6795T>C, p.Asp2265= (NM_001354900.2); c.6741T>C, p.Asp2247= (NM_001354901.2, NM_001407453.1); and 11 more.
Identifiers: ClinVar variation 2567060 (VCV002567060.3), dbSNP rs1060503350, ClinGen allele CA446210494.